The following is an entry in ClinVar:

ClinVar aggregate classification (germline): Uncertain significance. Review status: criteria provided, multiple submitters, no conflicts (2 of 4 stars). 2 submissions from 2 submitters: Uncertain significance (2). Last evaluated 2024-08-27.

Conditions:
Noonan syndrome and Noonan-related syndrome. Identifiers: Orphanet 98733, MedGen C5681679, MONDO:0020297.

Submissions (2):

Centre of Medical Genetics, University Hospital Muenster
Classification: Uncertain significance. Last evaluated: 2024-08-27. Review status: criteria provided, single submitter. Criteria: ACMG Guidelines, 2015. Collection method: clinical testing. Allele origin: unknown. Affected: yes. Observed: 1 variant allele, 1 heterozygote.
Comment: ACMG categories: PM1,PM2,PP3

Genome Diagnostics Laboratory, The Hospital for Sick Children
Classification: Uncertain significance for Noonan syndrome and Noonan-related syndrome. Last evaluated: 2016-12-12. Review status: criteria provided, single submitter. Criteria: ACMG Guidelines, 2015. Collection method: clinical testing. Allele origin: germline.

NM_005633.4(SOS1):c.1433C>G (p.Pro478Arg)

Gene: SOS1 (SOS Ras/Rac guanine nucleotide exchange factor 1; minus strand). Cytogenetic location: 2p22.1.
Variant type: single nucleotide variant.
Coding change: c.1433C>G on transcript NM_005633.4 (MANE Select); coding-DNA position 1433, C replaced by G.
Protein change: p.Pro478Arg; replaces proline 478 with arginine.
Molecular consequence: missense variant.
Genome position (GRCh38, 1-based): chr2:39,022,995, G>C on the plus strand (C>G on the coding strand, the complement: SOS1 is on the minus strand). VCF-style: chr2-39022995-G-C. GRCh37 (hg19) VCF-style: chr2-39250136-G-C.
Other names: c.1412C>G, p.Pro471Arg (NM_001382394.1); c.1433C>G, p.Pro478Arg (NM_001382395.1); short protein forms P478R, P471R.
Identifiers: ClinVar variation 636445 (VCV000636445.6), dbSNP rs1553356111, ClinGen allele CA346366181.
Genomic context (GRCh38, chr2:39,022,995, plus strand): 5'-TTTCGCATAAAAAACTTTTCTTTAAGACGATATTCTGCATTGCTAGCACCAGGAAGTCTT[G>C]GCTGCCCATGATTTGATTTACAGCAAATCATTAAGCCATCAAAGAGAAATATGTGTCTCT-3'
Protein context (NP_005624.2, residues 468-488): MICCKSNHGQ[Pro478Arg]RLPGASNAEY